The following is an entry in ClinVar:

NM_000528.4(MAN2B1):c.1963C>T (p.Gln655Ter)

Gene: MAN2B1 (mannosidase alpha class 2B member 1; minus strand). Cytogenetic location: 19p13.13.
Variant type: single nucleotide variant.
Coding change: c.1963C>T on transcript NM_000528.4 (MANE Select); coding-DNA position 1963, C replaced by T.
Protein change: p.Gln655Ter; replaces glutamine 655 with a stop codon.
Molecular consequence: nonsense.
Genome position (GRCh38, 1-based): chr19:12,652,236, G>A on the plus strand (C>T on the coding strand, the complement: MAN2B1 is on the minus strand). VCF-style: chr19-12652236-G-A. GRCh37 (hg19) VCF-style: chr19-12763050-G-A.
Other names: c.1960C>T, p.Gln654Ter (NM_001173498.2); short protein forms Q654*, Q655*.
Identifiers: ClinVar variation 851283 (VCV000851283.10), dbSNP rs2023854692, ClinGen allele CA404244247.

ClinVar aggregate classification (germline): Pathogenic. Review status: criteria provided, multiple submitters, no conflicts (2 of 4 stars). 2 submissions from 2 submitters: Pathogenic (2). Last evaluated 2021-09-05.

Conditions:
Deficiency of alpha-mannosidase (MANSA). Also called: LYSOSOMAL ALPHA-D-MANNOSIDASE DEFICIENCY; Alpha-Mannosidosis; Mannosidosis, alpha-, types I and II. Identifiers: Orphanet 61, MedGen C0024748, MONDO:0009561, OMIM 248500.

Submissions (2):

Genome-Nilou Lab
Classification: Pathogenic for Deficiency of alpha-mannosidase. Last evaluated: 2021-09-05. Review status: criteria provided, single submitter. Criteria: ACMG Guidelines, 2015. Collection method: clinical testing. Allele origin: germline. Affected: no.

Labcorp Genetics (formerly Invitae), Labcorp
Classification: Pathogenic for Deficiency of alpha-mannosidase. Last evaluated: 2020-12-09. Review status: criteria provided, single submitter. Criteria: Invitae Variant Classification Sherloc (09022015). Collection method: clinical testing. Allele origin: germline.
Comment: For these reasons, this variant has been classified as Pathogenic. This variant has not been reported in the literature in individuals with MAN2B1-related conditions. ClinVar contains an entry for this variant (Variation ID: 851283). This variant is not present in population databases (ExAC no frequency). This sequence change creates a premature translational stop signal (p.Gln655*) in the MAN2B1 gene. It is expected to result in an absent or disrupted protein product. Loss-of-function variants in MAN2B1 are known to be pathogenic (PMID: 9915946, 22161967).

Literature cited by the submitters: PubMed 9915946 (cited by Labcorp Genetics (formerly Invitae), Labcorp); PubMed 22161967 (cited by Labcorp Genetics (formerly Invitae), Labcorp).